The following is an entry in ClinVar:

ClinVar aggregate classification (germline): Likely pathogenic (1 of 4 stars; one submission).

Conditions:
Hereditary spastic paraplegia 4. Also called: Spastic paraplegia 4, autosomal dominant; Spastic Paraplegia 4; Familial spastic paraplegia autosomal dominant 2. Identifiers: Orphanet 100985, MedGen C1866855, MONDO:0008438, OMIM 182601.

Submission:

Labcorp Genetics (formerly Invitae), Labcorp
Classification: Likely pathogenic for Hereditary spastic paraplegia 4. Last evaluated: 2025-11-05. Review status: criteria provided, single submitter. Criteria: Invitae Variant Classification Sherloc (09022015). Collection method: clinical testing. Allele origin: germline.
Comment: This sequence change replaces arginine, which is basic and polar, with serine, which is neutral and polar, at codon 450 of the SPAST protein (p.Arg450Ser). This variant is not present in population databases (gnomAD no frequency). This missense change has been observed in individuals with hereditary spastic paraplegia (PMID: 21546041; internal data). Invitae Evidence Modeling of protein sequence and biophysical properties (such as structural, functional, and spatial information, amino acid conservation, physicochemical variation, residue mobility, and thermodynamic stability) indicates that this missense variant is expected to disrupt SPAST protein function with a positive predictive value of 80%. This variant disrupts the p.Arg450 amino acid residue in SPAST. Other variant(s) that disrupt this residue have been determined to be pathogenic (PMID: 30476002, 32277485, 36109173, 36537231, 38145127). This suggests that this residue is clinically significant, and that variants that disrupt this residue are likely to be disease-causing. In summary, the currently available evidence indicates that the variant is pathogenic, but additional data are needed to prove that conclusively. Therefore, this variant has been classified as Likely Pathogenic.

Literature cited by the submitters: PubMed 21546041; PubMed 30476002; PubMed 32277485; PubMed 36109173; PubMed 36537231; PubMed 38145127.

NM_014946.4(SPAST):c.1350A>C (p.Arg450Ser)

Gene: SPAST (spastin; plus strand). Cytogenetic location: 2p22.3.
Variant type: single nucleotide variant.
Coding change: c.1350A>C on transcript NM_014946.4 (MANE Select); coding-DNA position 1350, A replaced by C.
Protein change: p.Arg450Ser; replaces arginine 450 with serine.
Molecular consequence: missense variant.
Genome position (GRCh38, 1-based): chr2:32,136,905, A>C. VCF-style: chr2-32136905-A-C. GRCh37 (hg19) VCF-style: chr2-32361974-A-C.
Other names: c.1347A>C, p.Arg449Ser (NM_001363823.2); c.1251A>C, p.Arg417Ser (NM_001363875.2); c.1254A>C, p.Arg418Ser (NM_001377959.1, NM_199436.2); short protein forms R418S, R449S, R450S, R417S.
Identifiers: ClinVar variation 4741781 (VCV004741781.1).